The following is an entry in ClinVar:

ClinVar aggregate classification (germline): Uncertain significance. Review status: criteria provided, multiple submitters, no conflicts (2 of 4 stars). 2 submissions from 2 submitters: Uncertain significance (2). Last evaluated 2025-06-29.

Conditions:
Mitochondrial DNA depletion syndrome 13. Also called: FBXL4-Related Encephalomyopathic Mitochondrial DNA Depletion Syndrome; Mitochondrial DNA depletion syndrome 13 (encephalomyopathic type). Identifiers: Orphanet 369897, MedGen C3809592, MONDO:0014198, OMIM 615471.

Allele frequency attached by ClinVar (database versions not stated): gnomAD 0.00001; ExAC 0.00002; gnomAD exomes 0.00004.
gnomAD v4.1: 29 of 1,614,046 alleles (0.0018%); 1 homozygote.

Submissions (2):

Labcorp Genetics (formerly Invitae), Labcorp
Classification: Uncertain significance. Last evaluated: 2025-06-29. Review status: criteria provided, single submitter. Criteria: Invitae Variant Classification Sherloc (09022015). Collection method: clinical testing. Allele origin: germline.
Comment: This sequence change replaces leucine, which is neutral and non-polar, with tryptophan, which is neutral and slightly polar, at codon 112 of the FBXL4 protein (p.Leu112Trp). This variant is present in population databases (rs189230796, gnomAD 0.04%). This variant has not been reported in the literature in individuals affected with FBXL4-related conditions. ClinVar contains an entry for this variant (Variation ID: 437562). Invitae Evidence Modeling of protein sequence and biophysical properties (such as structural, functional, and spatial information, amino acid conservation, physicochemical variation, residue mobility, and thermodynamic stability) indicates that this missense variant is not expected to disrupt FBXL4 protein function with a negative predictive value of 80%. In summary, the available evidence is currently insufficient to determine the role of this variant in disease. Therefore, it has been classified as a Variant of Uncertain Significance.

Wong Mito Lab, Molecular and Human Genetics, Baylor College of Medicine
Classification: Uncertain significance for Mitochondrial DNA depletion syndrome 13. Last evaluated: 2017-08-10. Review status: criteria provided, single submitter. Criteria: ACMG Guidelines, 2015. Collection method: reference population. Allele origin: germline.
Comment: The NM_012160.4:c.335T>G (NP_036292.2:p.Leu112Trp) [GRCH38: NC_000006.12:g.98926654A>C] variant in FBXL4 gene is interpretated to be a Uncertain Significance - Conflicting Evidence based on ACMG guidelines (PMID: 25741868). This variant meets one or more of the following evidence codes reported in the ACMG-guideline. PM2:This variant is absent in key population databases. BP4:Computational evidence/predictors indicate no impact on the FBXL4 structure, function, or protein-protein interaction. Based on this evidence code ClinGen Pathogenicity Calculator (PMID:28081714) suggested that the variant is Uncertain Significance - Conflicting Evidence.

NM_001278716.2(FBXL4):c.335T>G (p.Leu112Trp)

Gene: FBXL4 (F-box and leucine rich repeat protein 4; minus strand). Cytogenetic location: 6q16.2.
Variant type: single nucleotide variant.
Coding change: c.335T>G on transcript NM_001278716.2 (MANE Select); coding-DNA position 335, T replaced by G.
Protein change: p.Leu112Trp; replaces leucine 112 with tryptophan.
Molecular consequence: missense variant. On other transcripts: non-coding transcript variant (2).
Genome position (GRCh38, 1-based): chr6:98,926,654, A>C on the plus strand (T>G on the coding strand, the complement: FBXL4 is on the minus strand). VCF-style: chr6-98926654-A-C. GRCh37 (hg19) VCF-style: chr6-99374530-A-C.
Other names: c.335T>G, p.Leu112Trp (NM_012160.5); short protein forms L112W.
Identifiers: ClinVar variation 437562 (VCV000437562.2), dbSNP rs189230796, ClinGen allele CA3933706.